The following is an entry in ClinVar:

NM_001040108.2(MLH3):c.2556C>G (p.Thr852=)

Gene: MLH3 (mutL homolog 3; minus strand). Cytogenetic location: 14q24.3.
Variant type: single nucleotide variant.
Coding change: c.2556C>G on transcript NM_001040108.2 (MANE Select); coding-DNA position 2556, C replaced by G.
Protein change: p.Thr852=; no amino-acid change (threonine 852 retained).
Molecular consequence: synonymous variant.
Genome position (GRCh38, 1-based): chr14:75,047,100, G>C on the plus strand (C>G on the coding strand, the complement: MLH3 is on the minus strand). VCF-style: chr14-75047100-G-C. GRCh37 (hg19) VCF-style: chr14-75513803-G-C.
Other names: c.2556C>G, p.Thr852= (NM_014381.3).
Identifiers: ClinVar variation 4875948 (VCV004875948.1).

ClinVar aggregate classification (germline): Benign (1 of 4 stars; one submission).

Conditions:
Colorectal cancer, hereditary nonpolyposis, type 7. Identifiers: Orphanet 144, MedGen C1858380, MONDO:0013725, OMIM 614385.

Submission:

Myriad Genetics, Inc.
Classification: Benign for Colorectal cancer, hereditary nonpolyposis, type 7. Last evaluated: 2026-05-05. Review status: criteria provided, single submitter. Criteria: Myriad Autosomal Dominant, Autosomal Recessive and X-Linked Classification Criteria (2023). Collection method: clinical testing. Allele origin: unknown.
Comment: This variant is considered benign. This variant is a silent/synonymous amino acid change and it is not expected to impact splicing.